The following is an entry in ClinVar:

ClinVar aggregate classification (germline): Uncertain significance. Review status: criteria provided, multiple submitters, no conflicts (2 of 4 stars). 2 submissions from 2 submitters: Uncertain significance (2). Last evaluated 2024-04-25.

Conditions:
Wilson disease (WND). Also called: Wilson's disease. Identifiers: Orphanet 905, MedGen C0019202, MONDO:0010200, OMIM 277900. Disease mechanism: loss of function.

Allele frequency attached by ClinVar (database versions not stated): ExAC 0.00002; gnomAD 0.00002; TOPMed 0.00002; ESP Exome Variant Server 0.00008.
gnomAD v4.1: 8 of 1,614,096 alleles (0.0005%); highest among the groups gnomAD compares: Non-Finnish European, 0.00059%; no homozygotes.

Submissions (2):

All of Us Research Program, National Institutes of Health
Classification: Uncertain significance for Wilson disease. Last evaluated: 2024-04-25. Review status: criteria provided, single submitter. Criteria: ACMG Guidelines, 2015. Collection method: clinical testing. Allele origin: germline. Inheritance: Autosomal recessive inheritance. Observed: 4 variant alleles, 4 heterozygotes.
Comment: This missense variant replaces valine with leucine at codon 749 of the ATP7B protein. Computational prediction suggests that this variant may not impact protein structure and function (internally defined REVEL score threshold <= 0.5, PMID: 27666373). To our knowledge, functional studies have not been reported for this variant. This variant has not been reported in individuals affected with Wilson disease in the literature. This variant has been identified in 3/249584 chromosomes in the general population by the Genome Aggregation Database (gnomAD). The available evidence is insufficient to determine the role of this variant in disease conclusively. Therefore, this variant is classified as a Variant of Uncertain Significance.

This study involves interpretation of variants in research participants for the purpose of population health screening. Participant phenotype was not available at the time of variant classification. Additional details can be found in publication PMID: 35346344, PMCID: PMC8962531

Blueprint Genetics
Classification: Uncertain significance. Last evaluated: 2021-03-26. Review status: criteria provided, single submitter. Criteria: ACMG Guidelines, 2015. Collection method: clinical testing. Allele origin: germline.

NM_000053.4(ATP7B):c.2245G>T (p.Val749Leu)

Gene: ATP7B (ATPase copper transporting beta; minus strand). Cytogenetic location: 13q14.3.
Variant type: single nucleotide variant.
Coding change: c.2245G>T on transcript NM_000053.4 (MANE Select); coding-DNA position 2245, G replaced by T.
Protein change: p.Val749Leu; replaces valine 749 with leucine.
Molecular consequence: missense variant. On other transcripts: intron variant (20).
Genome position (GRCh38, 1-based): chr13:51,958,421, C>A on the plus strand (G>T on the coding strand, the complement: ATP7B is on the minus strand). VCF-style: chr13-51958421-C-A. GRCh37 (hg19) VCF-style: chr13-52532557-C-A.
Other names: c.1912G>T, p.Val638Leu (NM_001243182.2); c.1993G>T, p.Val665Leu (NM_001330579.2, NM_001406531.1, NM_001406532.1 and 1 more transcripts); c.2245G>T, p.Val749Leu (NM_001406511.1, NM_001406512.1, NM_001406513.1 and 7 more transcripts); c.2212G>T, p.Val738Leu (NM_001406514.1); c.2149G>T, p.Val717Leu (NM_001406517.1, NM_001406518.1); c.1816G>T, p.Val606Leu (NM_001406539.1); c.1897G>T, p.Val633Leu (NM_001406543.1); c.1870-814G>T (NM_001406541.1, NM_001005918.3, NM_001406546.1 and 1 more transcripts); and 8 more; short protein forms V606L, V633L, V638L, V665L, V717L, V738L, V749L.
Identifiers: ClinVar variation 3075615 (VCV003075615.3), dbSNP rs377141196, ClinGen allele CA6989078.